The following is an entry in ClinVar:

ClinVar aggregate classification (germline): Uncertain significance (1 of 4 stars; one submission).

Conditions:
PKD1L1-related disorder. Also called: PKD1L1-related condition.

Allele frequency attached by ClinVar (database versions not stated): gnomAD 0.00007; TOPMed 0.00007; ExAC 0.00010; 1000 Genomes Project 30x 0.00031; 1000 Genomes Project 0.00040.
gnomAD v4.1: 71 of 1,510,732 alleles (0.0047%); highest among the groups gnomAD compares: Admixed American, 0.027%; 1 homozygote.

Submission:

PreventionGenetics, part of Exact Sciences
Classification: Uncertain significance for PKD1L1-related condition. Last evaluated: 2023-01-26. Review status: criteria provided, single submitter. Criteria: ACMG Guidelines, 2015. Collection method: clinical testing. Allele origin: germline.
Comment: The PKD1L1 c.1063A>T variant is predicted to result in the amino acid substitution p.Ile355Phe. To our knowledge, this variant has not been reported in the literature. This variant is reported in 0.032% of alleles in individuals of Latino descent, including one homozygous individual, in gnomAD. Although we suspect that this variant may be benign, at this time, the clinical significance of this variant is uncertain due to the absence of conclusive functional and genetic evidence.

NM_138295.5(PKD1L1):c.1063A>T (p.Ile355Phe)

Gene: PKD1L1 (polycystin 1 like 1, transient receptor potential channel interacting; minus strand). Cytogenetic location: 7p12.3.
Variant type: single nucleotide variant.
Coding change: c.1063A>T on transcript NM_138295.5 (MANE Select); coding-DNA position 1063, A replaced by T.
Protein change: p.Ile355Phe; replaces isoleucine 355 with phenylalanine.
Molecular consequence: missense variant.
Genome position (GRCh38, 1-based): chr7:47,915,597, T>A on the plus strand (A>T on the coding strand, the complement: PKD1L1 is on the minus strand). VCF-style: chr7-47915597-T-A. GRCh37 (hg19) VCF-style: chr7-47955194-T-A.
Other names: short protein forms I355F.
Identifiers: ClinVar variation 2634119 (VCV002634119.1), dbSNP rs531967751, ClinGen allele CA4254157.